The following is an entry in ClinVar:

NM_004380.3(CREBBP):c.1203del (p.Ala403fs)

Gene: CREBBP (CREB binding lysine acetyltransferase; minus strand). Cytogenetic location: 16p13.3.
Variant type: Deletion.
Coding change: c.1203del on transcript NM_004380.3 (MANE Select); coding-DNA position 1203, one base deleted (G; older notation c.1203delG).
Protein change: p.Ala403fs; shifts the reading frame from alanine 403.
Molecular consequence: frameshift variant.
Genome position (GRCh38, 1-based): chr16:3,793,399, C deleted on the plus strand (G on the coding strand, the reverse complement: CREBBP is on the minus strand); the first of 3 consecutive C bases (chr16:3,793,399-3,793,401); deleting any one gives the same sequence. VCF-style (leftmost placement, unchanged base first): chr16-3793398-TC-T. GRCh37 (hg19) VCF-style: chr16-3843399-TC-T.
Other names: c.1203del, p.Ala403fs (NM_001079846.1); short protein forms A403fs.
Identifiers: ClinVar variation 4814124 (VCV004814124.2).

ClinVar aggregate classification (germline): Likely pathogenic. Review status: criteria provided, multiple submitters, no conflicts (2 of 4 stars). 2 submissions from 2 submitters: Likely pathogenic (2). Last evaluated 2025-06-30.

Conditions:
Rubinstein-Taybi syndrome due to CREBBP mutations (RSTS1). Also called: BROAD THUMB-HALLUX SYNDROME; RUBINSTEIN SYNDROME; RUBINSTEIN-TAYBI SYNDROME 1, INCOMPLETE; Rubinstein-Taybi syndrome 1; BROAD THUMBS AND GREAT TOES, CHARACTERISTIC FACIES, AND IMPAIRED INTELLECTUAL DEVELOPMENT; CREBBP-Related Rubinstein-Taybi Syndrome. Identifiers: Orphanet 353277, Orphanet 783, MedGen C4551859, MONDO:0008393, OMIM 180849.
CREBBP-related disorder. Also called: CREBBP-related condition; CREBBP-related disorders.

Submissions (2):

OLLIN Analises Genomicas, OLLIN
Classification: Likely pathogenic for Rubinstein-Taybi syndrome due to CREBBP mutations. Last evaluated: 2025-06-30. Review status: criteria provided, single submitter. Criteria: ACMG Guidelines 2015 PMID 25741868. Collection method: clinical testing. Allele origin: germline. Affected: yes. Observed: 1 variant allele.
Comment: The frameshift variant (chr16:3793398TC>T), located in exon 4 (of 31), is not reported in the gnomAD v4.1 non-UKB or ClinVar databases, nor has it been found in the scientific literature. It promotes a change in the reading frame with subsequent introduction of a premature stop codon, resulting in a truncated protein or mRNA degradation via nonsense-mediated decay (NMD). According to currently available evidence, this variant has been classified as likely pathogenic (PVS1, PM2_P).

Blueprint Genetics
Classification: Likely pathogenic for CREBBP-related disorders. Last evaluated: 2019-12-17. Review status: criteria provided, single submitter. Criteria: ACMG Guidelines, 2015. Collection method: clinical testing. Allele origin: germline. Affected: yes. Observed: 1 variant allele.